The following is an entry in ClinVar:

ClinVar aggregate classification (germline): Likely benign. Review status: criteria provided, multiple submitters, no conflicts (2 of 4 stars). 2 submissions from 2 submitters: Likely benign (2). Last evaluated 2024-10-22.

Conditions:
GROWTH HORMONE DEFICIENCY WITH PITUITARY ANOMALIES. Identifiers: MedGen C2750027, OMIM 182230.
Septo-optic dysplasia sequence (SOD). Also called: DE MORSIER SYNDROME; Septo-optic dysplasia. Identifiers: Orphanet 3157, MedGen C0338503, MONDO:0008428, OMIM 182230, HP:0100842.

Allele frequency attached by ClinVar (database versions not stated): gnomAD exomes 0.00006; 1000 Genomes Project 30x 0.00016; ExAC 0.00018; 1000 Genomes Project 0.00020; gnomAD 0.00043; TOPMed 0.00051; ESP Exome Variant Server 0.00116.
gnomAD v4.1: 144 of 1,562,310 alleles (0.0092%); highest among the groups gnomAD compares: African/African-American, 0.19%; no homozygotes.

Submissions (2):

Women's Health and Genetics/Laboratory Corporation of America, LabCorp
Classification: Likely benign. Last evaluated: 2024-10-22. Review status: criteria provided, single submitter. Criteria: LabCorp Variant Classification Summary - May 2015. Collection method: clinical testing. Allele origin: germline.
Comment: Variant summary: HESX1 c.459+18T>C alters a non-conserved nucleotide located at a position not widely known to affect splicing. Consensus agreement among computation tools predict no significant impact on normal splicing. However, these predictions have yet to be confirmed by functional studies. The variant allele was found at a frequency of 0.00014 in 250062 control chromosomes. This frequency is not significantly higher than estimated for a pathogenic variant in HESX1 causing HESX1-Related Disorders, allowing no conclusion about variant significance. To our knowledge, no occurrence of c.459+18T>C in individuals affected with HESX1-Related Disorders and no experimental evidence demonstrating its impact on protein function have been reported. ClinVar contains an entry for this variant (Variation ID: 2065769). Based on the evidence outlined above, the variant was classified as likely benign.

Labcorp Genetics (formerly Invitae), Labcorp
Classification: Likely benign for GROWTH HORMONE DEFICIENCY WITH PITUITARY ANOMALIES; Septo-optic dysplasia sequence. Last evaluated: 2024-04-09. Review status: criteria provided, single submitter. Criteria: Invitae Variant Classification Sherloc (09022015). Collection method: clinical testing. Allele origin: germline.

NM_003865.3(HESX1):c.459+18T>C

Gene: HESX1 (HESX homeobox 1; minus strand). Cytogenetic location: 3p14.3.
Variant type: single nucleotide variant.
Coding change: c.459+18T>C on transcript NM_003865.3 (MANE Select); 18 bases into the intron after coding-DNA position 459, T replaced by C.
Molecular consequence: intron variant.
Genome position (GRCh38, 1-based): chr3:57,198,373, A>G on the plus strand (T>C on the coding strand, the complement: HESX1 is on the minus strand). VCF-style: chr3-57198373-A-G. GRCh37 (hg19) VCF-style: chr3-57232401-A-G.
Other names: c.459+18T>C (NM_001376059.1, NM_001376058.1, NM_001376060.1 and 1 more transcripts).
Identifiers: ClinVar variation 2065769 (VCV002065769.5), dbSNP rs376071780, ClinGen allele CA2463242.